The following is an entry in ClinVar:

ClinVar aggregate classification (germline): Uncertain significance (1 of 4 stars; one submission).

Conditions:
Familial cancer of breast. Also called: Hereditary breast cancer; BREAST CANCER, FAMILIAL; hereditary breast carcinoma. Identifiers: Orphanet 227535, MedGen C0346153, MONDO:0016419, OMIM 114480. Disease mechanism: loss of function.

gnomAD v4.1: 1 of 1,614,036 alleles (0.000062%); highest among the groups gnomAD compares: East Asian, 0.0022%; no homozygotes.

Submission:

Labcorp Genetics (formerly Invitae), Labcorp
Classification: Uncertain significance for Familial cancer of breast. Last evaluated: 2025-12-03. Review status: criteria provided, single submitter. Criteria: Invitae Variant Classification Sherloc (09022015). Collection method: clinical testing. Allele origin: germline.
Comment: This sequence change replaces lysine, which is basic and polar, with arginine, which is basic and polar, at codon 325 of the CHEK2 protein (p.Lys325Arg). This variant is not present in population databases (gnomAD no frequency). This variant has not been reported in the literature in individuals affected with CHEK2-related conditions. ClinVar contains an entry for this variant (Variation ID: 1360231). An algorithm developed to predict the effect of missense changes on protein structure and function (PolyPhen-2) suggests that this variant is likely to be disruptive. In summary, the available evidence is currently insufficient to determine the role of this variant in disease. Therefore, it has been classified as a Variant of Uncertain Significance.

NM_007194.4(CHEK2):c.974A>G (p.Lys325Arg)

Gene: CHEK2 (checkpoint kinase 2; minus strand). Cytogenetic location: 22q12.1.
Variant type: single nucleotide variant.
Coding change: c.974A>G on transcript NM_007194.4 (MANE Select); coding-DNA position 974, A replaced by G.
Protein change: p.Lys325Arg; replaces lysine 325 with arginine.
Molecular consequence: missense variant.
Genome position (GRCh38, 1-based): chr22:28,699,872, T>C on the plus strand (A>G on the coding strand, the complement: CHEK2 is on the minus strand). VCF-style: chr22-28699872-T-C. GRCh37 (hg19) VCF-style: chr22-29095860-T-C.
Other names: c.1103A>G, p.Lys368Arg (NM_001005735.3); c.311A>G, p.Lys104Arg (NM_001257387.3); c.773A>G, p.Lys258Arg (NM_001349956.3); c.974A>G, p.Lys325Arg (NM_145862.3); short protein forms K325R, K368R, K104R, K258R.
Identifiers: ClinVar variation 1360231 (VCV001360231.7), dbSNP rs767656411, ClinGen allele CA411099668.
Genomic context (GRCh38, chr22:28,699,872, plus strand): 5'-TCAAAAGAATTGAGGGCTTCTTTTACCTGCACAGCCAAGAGCATCTGGTAAAAATAGAGC[T>C]TGCAGGTAGCTTCTTTCAGGCGTTTATTCCCCACCACTTTGTCAAACAGCTCTCCCCCTT-3'
Protein context (NP_009125.1, residues 315-335): GNKRLKEATC[Lys325Arg]LYFYQMLLAV